The following is an entry in ClinVar:

NM_005076.5(CNTN2):c.1291G>A (p.Ala431Thr)

Gene: CNTN2 (contactin 2; plus strand). Cytogenetic location: 1q32.1.
Variant type: single nucleotide variant.
Coding change: c.1291G>A on transcript NM_005076.5 (MANE Select); coding-DNA position 1291, G replaced by A.
Protein change: p.Ala431Thr; replaces alanine 431 with threonine.
Molecular consequence: missense variant. On other transcripts: non-coding transcript variant (1).
Genome position (GRCh38, 1-based): chr1:205,064,372, G>A. VCF-style: chr1-205064372-G-A. GRCh37 (hg19) VCF-style: chr1-205033500-G-A.
Other names: c.1291G>A, p.Ala431Thr (NM_001346083.2); short protein forms A431T.
Identifiers: ClinVar variation 2165179 (VCV002165179.4), dbSNP rs1479910920, ClinGen allele CA344374770.
Genomic context (GRCh38, chr1:205,064,372, plus strand): 5'-TTCCTTCTAGCACTCGCCCCTGACTTCAGGCTGAATCCCGTGAGGCGTCTGATCCCCGCG[G>A]CCCGCGGGGGAGAGATCCTTATCCCCTGCCAGCCCCGGGCAGCTCCAAAGGCCGTGGTGC-3'
Protein context (NP_005067.1, residues 421-441): LNPVRRLIPA[Ala431Thr]RGGEILIPCQ

ClinVar aggregate classification (germline): Uncertain significance (1 of 4 stars; one submission).

Conditions:
Epilepsy, familial adult myoclonic, 5 (EPEO5). Also called: CORTICAL MYOCLONIC TREMOR WITH EPILEPSY, FAMILIAL, 5. Identifiers: Orphanet 86814, MedGen C3809374, MONDO:0014167, OMIM 615400.

Allele frequency attached by ClinVar (database versions not stated): TOPMed below 0.00001; gnomAD 0.00001.

Submission:

Labcorp Genetics (formerly Invitae), Labcorp
Classification: Uncertain significance for Epilepsy, familial adult myoclonic, 5. Last evaluated: 2024-10-28. Review status: criteria provided, single submitter. Criteria: Invitae Variant Classification Sherloc (09022015). Collection method: clinical testing. Allele origin: germline.
Comment: This sequence change replaces alanine, which is neutral and non-polar, with threonine, which is neutral and polar, at codon 431 of the CNTN2 protein (p.Ala431Thr). This variant is present in population databases (no rsID available, gnomAD 0.003%). This variant has not been reported in the literature in individuals affected with CNTN2-related conditions. ClinVar contains an entry for this variant (Variation ID: 2165179). Invitae Evidence Modeling of protein sequence and biophysical properties (such as structural, functional, and spatial information, amino acid conservation, physicochemical variation, residue mobility, and thermodynamic stability) indicates that this missense variant is not expected to disrupt CNTN2 protein function with a negative predictive value of 95%. In summary, the available evidence is currently insufficient to determine the role of this variant in disease. Therefore, it has been classified as a Variant of Uncertain Significance.